The following is an entry in ClinVar:

ClinVar aggregate classification (germline): Likely benign (1 of 4 stars; one submission).

Submission:

GeneDx
Classification: Likely benign. Last evaluated: 2017-02-16. Review status: criteria provided, single submitter. Criteria: GeneDx Variant Classification (06012015). Collection method: clinical testing. Allele origin: germline. Affected: yes.
Comment: This variant is considered likely benign or benign based on one or more of the following criteria: it is a conservative change, it occurs at a poorly conserved position in the protein, it is predicted to be benign by multiple in silico algorithms, and/or has population frequency not consistent with disease.

NM_001111125.3(IQSEC2):c.3849C>G (p.Leu1283=)

Gene: IQSEC2 (IQ motif and Sec7 domain ArfGEF 2; minus strand). Cytogenetic location: Xp11.22.
Variant type: single nucleotide variant.
Coding change: c.3849C>G on transcript NM_001111125.3 (MANE Select); coding-DNA position 3849, C replaced by G.
Protein change: p.Leu1283=; no amino-acid change (leucine 1283 retained).
Molecular consequence: synonymous variant. On other transcripts: 3 prime UTR variant (1).
Genome position (GRCh38, 1-based): chrX:53,234,837, G>C on the plus strand (C>G on the coding strand, the complement: IQSEC2 is on the minus strand). VCF-style: chrX-53234837-G-C. GRCh37 (hg19) VCF-style: chrX-53264019-G-C.
Other names: c.*334C>G (NM_015075.2).
Identifiers: ClinVar variation 507394 (VCV000507394.1), dbSNP rs1556859155, ClinGen allele CA516673711.
Genomic context (GRCh38, chrX:53,234,837, plus strand): 5'-CAGCTGGGGCAAGGGTGGGGGCTGCTGGGGAGGTGGGGGAAGAGAGGGCTGCTGGGGTGG[G>C]AGGTAGGGTGGCGGGGCAGGGCCCGGTCCTTGGCAATACTGGGCATGCAGGGCCTGGAGC-3'
Protein context (NP_001104595.1, residues 1273-1293): QGPGPAPPPY[Leu1283=]PPQQPSLPPP